The following is an entry in ClinVar:

ClinVar aggregate classification (germline): Uncertain significance (1 of 4 stars; one submission).

gnomAD v4.1: 11 of 1,614,242 alleles (0.00068%); highest among the groups gnomAD compares: Non-Finnish European, 0.00085%; no homozygotes.

Submission:

Labcorp Genetics (formerly Invitae), Labcorp
Classification: Uncertain significance. Last evaluated: 2025-07-30. Review status: criteria provided, single submitter. Criteria: Invitae Variant Classification Sherloc (09022015). Collection method: clinical testing. Allele origin: germline.
Comment: This sequence change replaces histidine, which is basic and polar, with leucine, which is neutral and non-polar, at codon 332 of the RNF13 protein (p.His332Leu). This variant is present in population databases (rs749935332, gnomAD 0.002%). This variant has not been reported in the literature in individuals affected with RNF13-related conditions. An algorithm developed to predict the effect of missense changes on protein structure and function (PolyPhen-2) suggests that this variant is likely to be tolerated. In summary, the available evidence is currently insufficient to determine the role of this variant in disease. Therefore, it has been classified as a Variant of Uncertain Significance.

NM_183381.3(RNF13):c.995A>T (p.His332Leu)

Gene: RNF13 (ring finger protein 13; plus strand). Cytogenetic location: 3q25.1.
Variant type: single nucleotide variant.
Coding change: c.995A>T on transcript NM_183381.3 (MANE Select); coding-DNA position 995, A replaced by T.
Protein change: p.His332Leu; replaces histidine 332 with leucine.
Molecular consequence: missense variant. On other transcripts: non-coding transcript variant (1).
Genome position (GRCh38, 1-based): chr3:149,960,953, A>T. VCF-style: chr3-149960953-A-T. GRCh37 (hg19) VCF-style: chr3-149678740-A-T.
Other names: c.995A>T, p.His332Leu (NM_001378285.1, NM_001378286.1, NM_007282.4); c.638A>T, p.His213Leu (NM_001378287.1, NM_001378288.1, NM_001378289.1 and 2 more transcripts); c.602A>T, p.His201Leu (NM_001378291.1); short protein forms H213L, H332L, H201L.
Identifiers: ClinVar variation 4690996 (VCV004690996.1).